The following is an entry in ClinVar:

NM_001184880.2(PCDH19):c.2833C>T (p.Gln945Ter)

Gene: PCDH19 (protocadherin 19; minus strand). Cytogenetic location: Xq22.1.
Variant type: single nucleotide variant.
Coding change: c.2833C>T on transcript NM_001184880.2 (MANE Select); coding-DNA position 2833, C replaced by T.
Protein change: p.Gln945Ter; replaces glutamine 945 with a stop codon.
Molecular consequence: nonsense.
Genome position (GRCh38, 1-based): chrX:100,341,918, G>A on the plus strand (C>T on the coding strand, the complement: PCDH19 is on the minus strand). VCF-style: chrX-100341918-G-A. GRCh37 (hg19) VCF-style: chrX-99596916-G-A.
Other names: c.2692C>T, p.Gln898Ter (NM_001105243.2); c.2689C>T, p.Gln897Ter (NM_020766.3); short protein forms Q897*, Q898*, Q945*.
Identifiers: ClinVar variation 1054738 (VCV001054738.10), dbSNP rs2147484924, ClinGen allele CA413999758.

ClinVar aggregate classification (germline): Uncertain significance (1 of 4 stars; one submission).

Conditions:
Developmental and epileptic encephalopathy, 9 (DEE9). Also called: Early infantile epileptic encephalopathy 9; JUBERG-HELLMAN SYNDROME; PCDH19-Related X-Linked Female-Limited Epilepsy with Mental Retardation; EPILEPSY, FEMALE-RESTRICTED, WITH MENTAL RETARDATION. Identifiers: Orphanet 101039, Orphanet 2076, MedGen C1848137, MONDO:0010246, OMIM 300088. Disease mechanism: loss of function.

Submission:

Labcorp Genetics (formerly Invitae), Labcorp
Classification: Uncertain significance for Developmental and epileptic encephalopathy, 9. Last evaluated: 2020-01-08. Review status: criteria provided, single submitter. Criteria: Invitae Variant Classification Sherloc (09022015). Collection method: clinical testing. Allele origin: germline.
Comment: This variant is not present in population databases (ExAC no frequency). This variant has not been reported in the literature in individuals with PCDH19-related conditions. This sequence change results in a premature translational stop signal in the PCDH19 gene (p.Gln945*). While this is not anticipated to result in nonsense mediated decay, it is expected to disrupt the last 204 amino acids of the PCDH19 protein. In summary, the available evidence is currently insufficient to determine the role of this variant in disease. Therefore, it has been classified as a Variant of Uncertain Significance. Experimental studies and prediction algorithms are not available or were not evaluated, and the functional significance of this variant is currently unknown.